The following is an entry in ClinVar:

NM_000059.4(BRCA2):c.9385C>T (p.Pro3129Ser)

Gene: BRCA2 (BRCA2 DNA repair associated; plus strand). Cytogenetic location: 13q13.1.
Variant type: single nucleotide variant.
Coding change: c.9385C>T on transcript NM_000059.4 (MANE Select); coding-DNA position 9385, C replaced by T.
Protein change: p.Pro3129Ser; replaces proline 3129 with serine.
Molecular consequence: missense variant.
Genome position (GRCh38, 1-based): chr13:32,394,817, C>T. VCF-style: chr13-32394817-C-T. GRCh37 (hg19) VCF-style: chr13-32968954-C-T.
Other names: 9613C>T; short protein forms P3129S.
Identifiers: ClinVar variation 38237 (VCV000038237.18), dbSNP rs80359213, ClinGen allele CA026131.

ClinVar aggregate classification (germline): Conflicting classifications of pathogenicity. Review status: criteria provided, conflicting classifications (1 of 4 stars). 5 submissions from 5 submitters: Uncertain significance (3); Likely benign (1). 1 of the submissions does not count toward it. Last evaluated 2025-05-16.

Conditions:
BRCA2-related cancer predisposition. Identifiers: MedGen CN377758, MONDO:0700269.
Hereditary cancer-predisposing syndrome. Also called: Tumor predisposition; Neoplastic Syndromes, Hereditary; Hereditary neoplastic syndrome; Hereditary Cancer Syndrome. Identifiers: Orphanet 140162, MedGen C0027672, MeSH D009386, MONDO:0015356.
Hereditary breast ovarian cancer syndrome. Also called: Hereditary breast and ovarian cancer; Hereditary breast and ovarian cancer syndrome (HBOC); Hereditary breast and/or ovarian cancer syndrome; Breast and ovarian cancer; Hereditary breast and ovarian cancer syndrome; BRCA1- and BRCA2-Associated Hereditary Breast and Ovarian Cancer. Identifiers: Orphanet 145, MedGen C0677776, MeSH D061325, MONDO:0003582. Disease mechanism: loss of function.
Breast-ovarian cancer, familial, susceptibility to, 2 (BROVCA2). Also called: BRCA2 Hereditary Breast and Ovarian Cancer. Identifiers: Orphanet 145, MedGen C2675520, MONDO:0012933, OMIM 612555. Disease mechanism: loss of function.

Allele frequency attached by ClinVar (database versions not stated): gnomAD 0.00001; TOPMed 0.00001.
gnomAD v4.1: 1 of 1,613,968 alleles (0.000062%); highest among the groups gnomAD compares: African/African-American, 0.0013%; no homozygotes.

Submissions (5):

Ambry Genetics
Classification: Likely benign for Hereditary cancer-predisposing syndrome. Last evaluated: 2025-05-16. Review status: criteria provided, single submitter. Criteria: Ambry Variant Classification Scheme 2023. Collection method: clinical testing. Allele origin: germline.

Labcorp Genetics (formerly Invitae), Labcorp
Classification: Uncertain significance for Hereditary breast ovarian cancer syndrome. Last evaluated: 2024-10-16. Review status: criteria provided, single submitter. Criteria: Invitae Variant Classification Sherloc (09022015). Collection method: clinical testing. Allele origin: germline.
Comment: This sequence change replaces proline, which is neutral and non-polar, with serine, which is neutral and polar, at codon 3129 of the BRCA2 protein (p.Pro3129Ser). This variant is not present in population databases (gnomAD no frequency). This variant has not been reported in the literature in individuals affected with BRCA2-related conditions. ClinVar contains an entry for this variant (Variation ID: 38237). Invitae Evidence Modeling of protein sequence and biophysical properties (such as structural, functional, and spatial information, amino acid conservation, physicochemical variation, residue mobility, and thermodynamic stability) indicates that this missense variant is not expected to disrupt BRCA2 protein function with a negative predictive value of 95%. In summary, the available evidence is currently insufficient to determine the role of this variant in disease. Therefore, it has been classified as a Variant of Uncertain Significance.

All of Us Research Program, National Institutes of Health
Classification: Uncertain significance for BRCA2-related cancer predisposition. Last evaluated: 2024-03-05. Review status: criteria provided, single submitter. Criteria: ACMG Guidelines, 2015. Collection method: clinical testing. Allele origin: germline. Inheritance: Autosomal dominant inheritance. Observed: 3 variant alleles, 3 heterozygotes.
Comment: This missense variant replaces proline with serine at codon 3129 of the BRCA2 protein. Computational prediction suggests that this variant may not impact protein structure and function. To our knowledge, functional studies have not been reported for this variant. This variant has not been reported in individuals affected with BRCA2-related disorders in the literature. This variant has not been identified in the general population by the Genome Aggregation Database (gnomAD). The available evidence is insufficient to determine the role of this variant in disease conclusively. Therefore, this variant is classified as a Variant of Uncertain Significance.

This study involves interpretation of variants in research participants for the purpose of population health screening. Participant phenotype was not available at the time of variant classification. Additional details can be found in publication PMID: 35346344, PMCID: PMC8962531

Color Diagnostics, LLC DBA Color Health
Classification: Uncertain significance for Hereditary cancer-predisposing syndrome. Last evaluated: 2024-02-01. Review status: criteria provided, single submitter. Criteria: ACMG Guidelines, 2015. Collection method: clinical testing. Allele origin: germline.
Comment: This missense variant replaces proline with serine at codon 3129 of the BRCA2 protein. Computational prediction suggests that this variant may not impact protein structure and function. To our knowledge, functional studies have not been reported for this variant. This variant has not been reported in individuals affected with BRCA2-related disorders in the literature. This variant has not been identified in the general population by the Genome Aggregation Database (gnomAD). The available evidence is insufficient to determine the role of this variant in disease conclusively. Therefore, this variant is classified as a Variant of Uncertain Significance.

Sharing Clinical Reports Project (SCRP)
Classification: Uncertain significance for Breast-ovarian cancer, familial 2. Last evaluated: 2012-01-17. Review status: no assertion criteria provided. Collection method: clinical testing. Allele origin: germline. Not counted in ClinVar's aggregate classification.